The following is an entry in ClinVar:

NM_020461.4(TUBGCP6):c.1983+1G>T

Gene: TUBGCP6 (tubulin gamma complex component 6; minus strand). Cytogenetic location: 22q13.33.
Variant type: single nucleotide variant.
Coding change: c.1983+1G>T on transcript NM_020461.4 (MANE Select); the canonical splice donor site of the intron after coding-DNA position 1983, G replaced by T.
Molecular consequence: splice donor variant.
Genome position (GRCh38, 1-based): chr22:50,225,793, C>A on the plus strand (G>T on the coding strand, the complement: TUBGCP6 is on the minus strand). VCF-style: chr22-50225793-C-A. GRCh37 (hg19) VCF-style: chr22-50664222-C-A.
Identifiers: ClinVar variation 422060 (VCV000422060.2), dbSNP rs770971683, ClinGen allele CA10308433.

ClinVar aggregate classification (germline): Likely pathogenic (1 of 4 stars; one submission).

Allele frequency attached by ClinVar (database versions not stated): gnomAD exomes below 0.00001 and 0.00001; gnomAD 0.00001; ExAC 0.00002.
gnomAD v4.1: 4 of 1,612,040 alleles (0.00025%); highest among the groups gnomAD compares: Non-Finnish European, 0.000085%; no homozygotes.

Submission:

GeneDx
Classification: Likely pathogenic. Last evaluated: 2016-08-26. Review status: criteria provided, single submitter. Criteria: GeneDx Variant Classification (06012015). Collection method: clinical testing. Allele origin: germline. Affected: yes.
Comment: The c.1983+1G>T variant in the TUBGCP6 gene has not been reported previously as a pathogenic variant, nor as a benign variant, to our knowledge. This splice site variant destroys the canonical splice donor site in intron 10. The c.1983+1G>T variant is predicted to cause abnormal gene splicing, either leading to an abnormal message that is subject to nonsense-mediated mRNA decay, or to an abnormal protein product if the message is used for protein translation. The c.1983+1G>T variant was not observed in approximately 6500 individuals of European and African American ancestry in the NHLBI Exome Sequencing Project, indicating it is not a common benign variant in these populations. The c.1983+1G>T variant in the TUBGCP6 gene is a strong candidate for a pathogenic variant, however the possibility it may be a rare benign variant cannot be excluded.